The following is an entry in ClinVar:

ClinVar aggregate classification (germline): Likely benign. Review status: criteria provided, multiple submitters, no conflicts (2 of 4 stars). 3 submissions from 3 submitters: Likely benign (3). Last evaluated 2024-06-27.

Allele frequency attached by ClinVar (database versions not stated): gnomAD exomes 0.00002; ExAC 0.00003; gnomAD 0.00003 and 0.00004; TOPMed 0.00004; 1000 Genomes Project 30x 0.00016; 1000 Genomes Project 0.00020.
gnomAD v4.1: 29 of 1,614,080 alleles (0.0018%); highest among the groups gnomAD compares: African/African-American, 0.008%; no homozygotes.

Submissions (3):

Labcorp Genetics (formerly Invitae), Labcorp
Classification: Likely benign. Last evaluated: 2024-06-27. Review status: criteria provided, single submitter. Criteria: Invitae Variant Classification Sherloc (09022015). Collection method: clinical testing. Allele origin: germline.

GeneDx
Classification: Likely benign. Last evaluated: 2017-01-16. Review status: criteria provided, single submitter. Criteria: GeneDx Variant Classification (06012015). Collection method: clinical testing. Allele origin: germline. Affected: yes.
Comment: This variant is considered likely benign or benign based on one or more of the following criteria: it is a conservative change, it occurs at a poorly conserved position in the protein, it is predicted to be benign by multiple in silico algorithms, and/or has population frequency not consistent with disease.

Breakthrough Genomics
Classification: Likely benign. Review status: criteria provided, single submitter. Criteria: ACMG Guidelines, 2015. Collection method: not provided. Allele origin: germline. Inheritance: Autosomal recessive inheritance. Affected: yes.

NM_006420.3(ARFGEF2):c.4049+18C>T

Gene: ARFGEF2 (ARF guanine nucleotide exchange factor 2; plus strand). Cytogenetic location: 20q13.13.
Variant type: single nucleotide variant.
Coding change: c.4049+18C>T on transcript NM_006420.3 (MANE Select); 18 bases into the intron after coding-DNA position 4049, C replaced by T.
Molecular consequence: intron variant.
Genome position (GRCh38, 1-based): chr20:49,013,712, C>T. VCF-style: chr20-49013712-C-T. GRCh37 (hg19) VCF-style: chr20-47630249-C-T.
Identifiers: ClinVar variation 392753 (VCV000392753.7), dbSNP rs527503042, ClinGen allele CA9899104.